The following is an entry in ClinVar:

NM_001384732.1(CPLANE1):c.1521+4del

Gene: CPLANE1 (ciliogenesis and planar polarity effector complex subunit 1; minus strand). Cytogenetic location: 5p13.2.
Variant type: Deletion.
Coding change: c.1521+4del on transcript NM_001384732.1 (MANE Select); 4 bases into the intron after coding-DNA position 1521, one base deleted (C; older notation c.1521+4delC).
Molecular consequence: intron variant.
Genome position (GRCh38, 1-based): chr5:37,227,239, G deleted on the plus strand (C on the coding strand, the reverse complement: CPLANE1 is on the minus strand). VCF-style (leftmost placement, unchanged base first): chr5-37227238-AG-A. GRCh37 (hg19) VCF-style: chr5-37227340-AG-A.
Other names: c.1521+4del (NM_023073.4).
Identifiers: ClinVar variation 1016689 (VCV001016689.6), dbSNP rs1269848234, ClinGen allele CA559295631.

ClinVar aggregate classification (germline): Uncertain significance (1 of 4 stars; one submission).

Allele frequency attached by ClinVar (database versions not stated): gnomAD 0.00001; TOPMed 0.00003.

Submission:

Labcorp Genetics (formerly Invitae), Labcorp
Classification: Uncertain significance. Last evaluated: 2021-04-06. Review status: criteria provided, single submitter. Criteria: Invitae Variant Classification Sherloc (09022015). Collection method: clinical testing. Allele origin: germline.
Comment: This sequence change falls in intron 11 of the CPLANE1 gene. It does not directly change the encoded amino acid sequence of the CPLANE1 protein. It affects a nucleotide within the consensus splice site of the intron. In summary, the available evidence is currently insufficient to determine the role of this variant in disease. Therefore, it has been classified as a Variant of Uncertain Significance. Nucleotide substitutions within the consensus splice site are a relatively common cause of aberrant splicing (PMID: 17576681, 9536098). Algorithms developed to predict the effect of sequence changes on RNA splicing suggest that this variant is not likely to affect RNA splicing, but this prediction has not been confirmed by published transcriptional studies. This variant has not been reported in the literature in individuals with CPLANE1-related conditions. This variant is not present in population databases (ExAC no frequency).

Literature cited by the submitters: PubMed 17576681; PubMed 9536098.